The following is an entry in ClinVar:

NM_003327.4(TNFRSF4):c.515C>T (p.Pro172Leu)

Gene: TNFRSF4 (TNF receptor superfamily member 4; minus strand). Cytogenetic location: 1p36.33.
Variant type: single nucleotide variant.
Coding change: c.515C>T on transcript NM_003327.4 (MANE Select); coding-DNA position 515, C replaced by T.
Protein change: p.Pro172Leu; replaces proline 172 with leucine.
Molecular consequence: missense variant.
Genome position (GRCh38, 1-based): chr1:1,212,061, G>A on the plus strand (C>T on the coding strand, the complement: TNFRSF4 is on the minus strand). VCF-style: chr1-1212061-G-A. GRCh37 (hg19) VCF-style: chr1-1147441-G-A.
Other names: c.515C>T, p.Pro172Leu (NM_001410709.1); short protein forms P172L.
Identifiers: ClinVar variation 3668338 (VCV003668338.2).

ClinVar aggregate classification (germline): Uncertain significance (1 of 4 stars; one submission).

Conditions:
Combined immunodeficiency due to OX40 deficiency. Also called: Immunodeficiency 16; OX40 DEFICIENCY. Identifiers: Orphanet 431149, MedGen C3810053, MONDO:0014268, OMIM 615593.

gnomAD v4.1: 3 of 1,610,964 alleles (0.00019%); highest among the groups gnomAD compares: Middle Eastern, 0.017%; no homozygotes.

Submission:

Labcorp Genetics (formerly Invitae), Labcorp
Classification: Uncertain significance for Combined immunodeficiency due to OX40 deficiency. Last evaluated: 2025-07-07. Review status: criteria provided, single submitter. Criteria: Invitae Variant Classification Sherloc (09022015). Collection method: clinical testing. Allele origin: germline.
Comment: This sequence change replaces proline, which is neutral and non-polar, with leucine, which is neutral and non-polar, at codon 172 of the TNFRSF4 protein (p.Pro172Leu). This variant is present in population databases (rs776776152, gnomAD 0.0009%). This variant has not been reported in the literature in individuals affected with TNFRSF4-related conditions. ClinVar contains an entry for this variant (Variation ID: 3668338). Invitae Evidence Modeling of protein sequence and biophysical properties (such as structural, functional, and spatial information, amino acid conservation, physicochemical variation, residue mobility, and thermodynamic stability) indicates that this missense variant is not expected to disrupt TNFRSF4 protein function with a negative predictive value of 80%. In summary, the available evidence is currently insufficient to determine the role of this variant in disease. Therefore, it has been classified as a Variant of Uncertain Significance.